The following is an entry in ClinVar:

ClinVar aggregate classification (germline): Uncertain significance (1 of 4 stars; one submission).

Allele frequency attached by ClinVar (database versions not stated): gnomAD exomes below 0.00001; TOPMed 0.00002; gnomAD 0.00003.
gnomAD v4.1: 8 of 1,577,338 alleles (0.00051%); highest among the groups gnomAD compares: African/African-American, 0.011%; no homozygotes.

Submission:

Labcorp Genetics (formerly Invitae), Labcorp
Classification: Uncertain significance. Last evaluated: 2022-08-09. Review status: criteria provided, single submitter. Criteria: Invitae Variant Classification Sherloc (09022015). Collection method: clinical testing. Allele origin: germline.
Comment: In summary, the available evidence is currently insufficient to determine the role of this variant in disease. Therefore, it has been classified as a Variant of Uncertain Significance. Advanced modeling of protein sequence and biophysical properties (such as structural, functional, and spatial information, amino acid conservation, physicochemical variation, residue mobility, and thermodynamic stability) performed at Invitae indicates that this missense variant is not expected to disrupt PNPT1 protein function. This variant has not been reported in the literature in individuals affected with PNPT1-related conditions. This variant is not present in population databases (gnomAD no frequency). This sequence change replaces alanine, which is neutral and non-polar, with glycine, which is neutral and non-polar, at codon 331 of the PNPT1 protein (p.Ala331Gly).

NM_033109.5(PNPT1):c.992C>G (p.Ala331Gly)

Gene: PNPT1 (polyribonucleotide nucleotidyltransferase 1; minus strand). Cytogenetic location: 2p16.1.
Variant type: single nucleotide variant.
Coding change: c.992C>G on transcript NM_033109.5 (MANE Select); coding-DNA position 992, C replaced by G.
Protein change: p.Ala331Gly; replaces alanine 331 with glycine.
Molecular consequence: missense variant.
Genome position (GRCh38, 1-based): chr2:55,667,943, G>C on the plus strand (C>G on the coding strand, the complement: PNPT1 is on the minus strand). VCF-style: chr2-55667943-G-C. GRCh37 (hg19) VCF-style: chr2-55895078-G-C.
Other names: short protein forms A331G.
Identifiers: ClinVar variation 1960961 (VCV001960961.3), dbSNP rs1273078390, ClinGen allele CA346929503.